The following is an entry in ClinVar:

NM_006648.4(WNK2):c.4608A>C (p.Glu1536Asp)

Gene: WNK2 (WNK lysine deficient protein kinase 2; plus strand). Cytogenetic location: 9q22.31.
Variant type: single nucleotide variant.
Coding change: c.4608A>C on transcript NM_006648.4 (MANE Select); coding-DNA position 4608, A replaced by C.
Protein change: p.Glu1536Asp; replaces glutamic acid 1536 with aspartic acid.
Molecular consequence: missense variant.
Genome position (GRCh38, 1-based): chr9:93,289,362, A>C. VCF-style: chr9-93289362-A-C. GRCh37 (hg19) VCF-style: chr9-96051644-A-C.
Other names: c.4719A>C, p.Glu1573Asp (NM_001282394.3); short protein forms E1536D, E1573D.
Identifiers: ClinVar variation 4866623 (VCV004866623.1).
Genomic context (GRCh38, chr9:93,289,362, plus strand): 5'-CCCACCCCTGGGGCCCACCGTCCCCCCACAGCCACCCTCGGCCCTGGAGTCGGATGGGGA[A>C]GGGCCGCCCCCCAGGGTGGGCTTTGTGGACAGCACCATCAAGAGCCTGGACGAGAAGCTG-3'
Protein context (NP_006639.3, residues 1526-1546): QPPSALESDG[Glu1536Asp]GPPPRVGFVD

ClinVar aggregate classification (germline): Uncertain significance (1 of 4 stars; one submission).

Submission:

Ambry Genetics
Classification: Uncertain significance. Last evaluated: 2026-04-25. Review status: criteria provided, single submitter. Criteria: Ambry Variant Classification Scheme 2023. Collection method: clinical testing. Allele origin: germline.
Comment: The p.E1536D variant (also known as c.4608A>C), located in coding exon 19 of the WNK2 gene, results from an A to C substitution at nucleotide position 4608. The glutamic acid at codon 1536 is replaced by aspartic acid, an amino acid with highly similar properties. This amino acid position is conserved. In addition, this alteration is predicted to be tolerated by in silico analysis. Based on the available evidence, the clinical significance of this variant remains unclear.